The following is an entry in ClinVar:

NM_000748.3(CHRNB2):c.63A>G (p.Ser21=)

Gene: CHRNB2 (cholinergic receptor nicotinic beta 2 subunit; plus strand). Cytogenetic location: 1q21.3.
Variant type: single nucleotide variant.
Coding change: c.63A>G on transcript NM_000748.3 (MANE Select); coding-DNA position 63, A replaced by G.
Protein change: p.Ser21=; no amino-acid change (serine 21 retained).
Molecular consequence: synonymous variant.
Genome position (GRCh38, 1-based): chr1:154,568,107, A>G. VCF-style: chr1-154568107-A-G. GRCh37 (hg19) VCF-style: chr1-154540583-A-G.
Identifiers: ClinVar variation 2033339 (VCV002033339.4), dbSNP rs2526359637, ClinGen allele CA420969563.

ClinVar aggregate classification (germline): Uncertain significance (1 of 4 stars; one submission).

Conditions:
Familial sleep-related hypermotor epilepsy. Also called: Autosomal Dominant Sleep-Related Hypermotor (Hyperkinetic) Epilepsy. Identifiers: Orphanet 98784, MedGen C3696898, MONDO:0000030.

Allele frequency attached by ClinVar (database versions not stated): gnomAD exomes below 0.00001.

Submission:

Labcorp Genetics (formerly Invitae), Labcorp
Classification: Uncertain significance. Last evaluated: 2022-09-29. Review status: criteria provided, single submitter. Criteria: Invitae Variant Classification Sherloc (09022015). Collection method: clinical testing. Allele origin: germline.
Comment: This sequence change affects codon 21 of the CHRNB2 mRNA. It is a 'silent' change, meaning that it does not change the encoded amino acid sequence of the CHRNB2 protein. It affects a nucleotide within the consensus splice site. This variant is not present in population databases (gnomAD no frequency). This variant has not been reported in the literature in individuals affected with CHRNB2-related conditions. Algorithms developed to predict the effect of sequence changes on RNA splicing suggest that this variant is not likely to affect RNA splicing. In summary, the available evidence is currently insufficient to determine the role of this variant in disease. Therefore, it has been classified as a Variant of Uncertain Significance.